The following is an entry in ClinVar:

NM_000287.4(PEX6):c.1870G>T (p.Ala624Ser)

Gene: PEX6 (peroxisomal biogenesis factor 6; minus strand). Cytogenetic location: 6p21.1.
Variant type: single nucleotide variant.
Coding change: c.1870G>T on transcript NM_000287.4 (MANE Select); coding-DNA position 1870, G replaced by T.
Protein change: p.Ala624Ser; replaces alanine 624 with serine.
Molecular consequence: missense variant. On other transcripts: non-coding transcript variant (1).
Genome position (GRCh38, 1-based): chr6:42,967,382, C>A on the plus strand (G>T on the coding strand, the complement: PEX6 is on the minus strand). VCF-style: chr6-42967382-C-A. GRCh37 (hg19) VCF-style: chr6-42935120-C-A.
Other names: c.1606G>T, p.Ala536Ser (NM_001316313.2); short protein forms A536S, A624S.
Identifiers: ClinVar variation 1979315 (VCV001979315.3), dbSNP rs753606386, ClinGen allele CA3811204.

ClinVar aggregate classification (germline): Uncertain significance (1 of 4 stars; one submission).

Conditions:
Peroxisome biogenesis disorder. Identifiers: Orphanet 79189, MedGen C1832200, MONDO:0019234. Disease mechanism: loss of function.

Allele frequency attached by ClinVar (database versions not stated): gnomAD exomes 0.00001; ExAC 0.00003.
gnomAD v4.1: 13 of 1,613,080 alleles (0.00081%); highest among the groups gnomAD compares: South Asian, 0.013%; no homozygotes.

Submission:

Labcorp Genetics (formerly Invitae), Labcorp
Classification: Uncertain significance for Peroxisome biogenesis disorder. Last evaluated: 2024-10-22. Review status: criteria provided, single submitter. Criteria: Invitae Variant Classification Sherloc (09022015). Collection method: clinical testing. Allele origin: germline.
Comment: This sequence change replaces alanine, which is neutral and non-polar, with serine, which is neutral and polar, at codon 624 of the PEX6 protein (p.Ala624Ser). This variant is present in population databases (rs753606386, gnomAD 0.02%). This variant has not been reported in the literature in individuals affected with PEX6-related conditions. ClinVar contains an entry for this variant (Variation ID: 1979315). Invitae Evidence Modeling of protein sequence and biophysical properties (such as structural, functional, and spatial information, amino acid conservation, physicochemical variation, residue mobility, and thermodynamic stability) indicates that this missense variant is not expected to disrupt PEX6 protein function with a negative predictive value of 95%. In summary, the available evidence is currently insufficient to determine the role of this variant in disease. Therefore, it has been classified as a Variant of Uncertain Significance.